The following is an entry in ClinVar:

ClinVar aggregate classification (germline): Uncertain significance (1 of 4 stars; one submission).

Submission:

Labcorp Genetics (formerly Invitae), Labcorp
Classification: Uncertain significance. Last evaluated: 2022-04-09. Review status: criteria provided, single submitter. Criteria: Invitae Variant Classification Sherloc (09022015). Collection method: clinical testing. Allele origin: germline.
Comment: This variant is not present in population databases (gnomAD no frequency). This sequence change replaces serine, which is neutral and polar, with leucine, which is neutral and non-polar, at codon 459 of the CCDC88A protein (p.Ser459Leu). This variant has not been reported in the literature in individuals affected with CCDC88A-related conditions. Algorithms developed to predict the effect of missense changes on protein structure and function are either unavailable or do not agree on the potential impact of this missense change (SIFT: "Deleterious"; PolyPhen-2: "Probably Damaging"; Align-GVGD: "Class C0"). In summary, the available evidence is currently insufficient to determine the role of this variant in disease. Therefore, it has been classified as a Variant of Uncertain Significance.

NM_001365480.1(CCDC88A):c.1376C>T (p.Ser459Leu)

Gene: CCDC88A (coiled-coil and HOOK domain protein 88A; minus strand). Cytogenetic location: 2p16.1.
Variant type: single nucleotide variant.
Coding change: c.1376C>T on transcript NM_001365480.1 (MANE Select); coding-DNA position 1376, C replaced by T.
Protein change: p.Ser459Leu; replaces serine 459 with leucine.
Molecular consequence: missense variant.
Genome position (GRCh38, 1-based): chr2:55,339,606, G>A on the plus strand (C>T on the coding strand, the complement: CCDC88A is on the minus strand). VCF-style: chr2-55339606-G-A. GRCh37 (hg19) VCF-style: chr2-55566742-G-A.
Other names: c.1376C>T, p.Ser459Leu (NM_001135597.2, NM_001254943.2, NM_018084.5); short protein forms S459L.
Identifiers: ClinVar variation 2123512 (VCV002123512.4), dbSNP rs2544852236, ClinGen allele CA346904346.